The following is an entry in ClinVar:

ClinVar aggregate classification (germline): Pathogenic (1 of 4 stars; one submission).

Conditions:
Polyglandular autoimmune syndrome, type 1 (APS1). Also called: PGA I; Autoimmune polyendocrinopathy syndrome , type I, with or without reversible metaphyseal dysplasia; HYPOADRENOCORTICISM WITH HYPOPARATHYROIDISM AND SUPERFICIAL MONILIASIS; Autoimmune polyendocrine syndrome type 1; AUTOIMMUNE POLYENDOCRINE SYNDROME, TYPE I, WITH OR WITHOUT REVERSIBLE METAPHYSEAL DYSPLASIA; APS I. Identifiers: Orphanet 3453, MedGen C0085859, MONDO:0009411, OMIM 240300.

Submission:

Labcorp Genetics (formerly Invitae), Labcorp
Classification: Pathogenic for Polyglandular autoimmune syndrome, type 1. Last evaluated: 2023-05-13. Review status: criteria provided, single submitter. Criteria: Invitae Variant Classification Sherloc (09022015). Collection method: clinical testing. Allele origin: germline.
Comment: This sequence change creates a premature translational stop signal (p.Cys311*) in the AIRE gene. It is expected to result in an absent or disrupted protein product. Loss-of-function variants in AIRE are known to be pathogenic (PMID: 11524731, 26141571). This variant is not present in population databases (gnomAD no frequency). This variant has not been reported in the literature in individuals affected with AIRE-related conditions. For these reasons, this variant has been classified as Pathogenic.

Literature cited by the submitters: PubMed 11524731; PubMed 26141571.

NM_000383.4(AIRE):c.933T>A (p.Cys311Ter)

Gene: AIRE (autoimmune regulator; plus strand). Cytogenetic location: 21q22.3.
Variant type: single nucleotide variant.
Coding change: c.933T>A on transcript NM_000383.4 (MANE Select); coding-DNA position 933, T replaced by A.
Protein change: p.Cys311Ter; replaces cysteine 311 with a stop codon.
Molecular consequence: nonsense.
Genome position (GRCh38, 1-based): chr21:44,291,148, T>A. VCF-style: chr21-44291148-T-A. GRCh37 (hg19) VCF-style: chr21-45711031-T-A.
Other names: short protein forms C311*.
Identifiers: ClinVar variation 2863912 (VCV002863912.3), dbSNP rs2517882117, ClinGen allele CA410424902.